The following is an entry in ClinVar:

ClinVar aggregate classification (germline): Benign. Review status: criteria provided, multiple submitters, no conflicts (2 of 4 stars). 3 submissions from 3 submitters: Benign (2). 1 of the submissions does not count toward it. Last evaluated 2020-10-28.

Conditions:
CELSR1-related disorder. Also called: CELSR1-related condition.

Allele frequency attached by ClinVar (database versions not stated): gnomAD exomes 0.00766; ExAC 0.01032; 1000 Genomes Project 0.03075; 1000 Genomes Project 30x 0.03326; ESP Exome Variant Server 0.03553.
gnomAD v4.1: 9,051 of 1,611,526 alleles (0.56%); highest among the groups gnomAD compares: African/African-American, 10%; 435 homozygotes.

Submissions 1 to 30 of 47:

GeneDx
Classification: Benign. Last evaluated: 2020-10-28. Review status: criteria provided, single submitter. Criteria: GeneDx Variant Classification Process June 2021. Collection method: clinical testing. Allele origin: germline. Affected: yes.
Comment: This variant is associated with the following publications: (PMID: 30924900)

Breakthrough Genomics
Classification: Benign. Review status: criteria provided, single submitter. Criteria: ACMG Guidelines, 2015. Collection method: not provided. Allele origin: germline. Inheritance: Autosomal dominant inheritance. Affected: yes.

PreventionGenetics, part of Exact Sciences
Classification: Benign for CELSR1-related condition. Last evaluated: 2019-04-10. Review status: no assertion criteria provided. Collection method: clinical testing. Allele origin: germline. Not counted in ClinVar's aggregate classification.
Comment: This variant is classified as benign based on ACMG/AMP sequence variant interpretation guidelines (Richards et al. 2015 PMID: 25741868, with internal and published modifications).

Dr. Peter K. Rogan Lab, Western University
No classification provided (evidence only). Condition: Clear cell carcinoma of kidney. Review status: no classification provided. Collection method: in vitro. Allele origin: not applicable. Functional consequence: retained intron. Not counted in ClinVar's aggregate classification.

Dr. Peter K. Rogan Lab, Western University
No classification provided (evidence only). Condition: Clear cell carcinoma of kidney. Review status: no classification provided. Collection method: in vitro. Allele origin: not applicable. Functional consequence: retained intron. Not counted in ClinVar's aggregate classification.

Dr. Peter K. Rogan Lab, Western University
No classification provided (evidence only). Condition: Clear cell carcinoma of kidney. Review status: no classification provided. Collection method: in vitro. Allele origin: not applicable. Functional consequence: retained intron. Not counted in ClinVar's aggregate classification.

Dr. Peter K. Rogan Lab, Western University
No classification provided (evidence only). Condition: Clear cell carcinoma of kidney. Review status: no classification provided. Collection method: in vitro. Allele origin: not applicable. Functional consequence: retained intron. Not counted in ClinVar's aggregate classification.

Dr. Peter K. Rogan Lab, Western University
No classification provided (evidence only). Condition: Clear cell carcinoma of kidney. Review status: no classification provided. Collection method: in vitro. Allele origin: not applicable. Functional consequence: retained intron. Not counted in ClinVar's aggregate classification.

Dr. Peter K. Rogan Lab, Western University
No classification provided (evidence only). Condition: Clear cell carcinoma of kidney. Review status: no classification provided. Collection method: in vitro. Allele origin: not applicable. Functional consequence: retained intron. Not counted in ClinVar's aggregate classification.

Dr. Peter K. Rogan Lab, Western University
No classification provided (evidence only). Condition: Clear cell carcinoma of kidney. Review status: no classification provided. Collection method: in vitro. Allele origin: not applicable. Functional consequence: retained intron. Not counted in ClinVar's aggregate classification.

Dr. Peter K. Rogan Lab, Western University
No classification provided (evidence only). Condition: Clear cell carcinoma of kidney. Review status: no classification provided. Collection method: in vitro. Allele origin: not applicable. Functional consequence: retained intron. Not counted in ClinVar's aggregate classification.

Dr. Peter K. Rogan Lab, Western University
No classification provided (evidence only). Condition: Clear cell carcinoma of kidney. Review status: no classification provided. Collection method: in vitro. Allele origin: not applicable. Functional consequence: retained intron. Not counted in ClinVar's aggregate classification.

Dr. Peter K. Rogan Lab, Western University
No classification provided (evidence only). Condition: Clear cell carcinoma of kidney. Review status: no classification provided. Collection method: in vitro. Allele origin: not applicable. Functional consequence: retained intron. Not counted in ClinVar's aggregate classification.

Dr. Peter K. Rogan Lab, Western University
No classification provided (evidence only). Condition: Clear cell carcinoma of kidney. Review status: no classification provided. Collection method: in vitro. Allele origin: not applicable. Functional consequence: retained intron. Not counted in ClinVar's aggregate classification.

Dr. Peter K. Rogan Lab, Western University
No classification provided (evidence only). Condition: Lung cancer. Review status: no classification provided. Collection method: in vitro. Allele origin: not applicable. Functional consequence: retained intron. Not counted in ClinVar's aggregate classification.

Dr. Peter K. Rogan Lab, Western University
No classification provided (evidence only). Condition: Lung cancer. Review status: no classification provided. Collection method: in vitro. Allele origin: not applicable. Functional consequence: retained intron. Not counted in ClinVar's aggregate classification.

Dr. Peter K. Rogan Lab, Western University
No classification provided (evidence only). Condition: Lung cancer. Review status: no classification provided. Collection method: in vitro. Allele origin: not applicable. Functional consequence: retained intron. Not counted in ClinVar's aggregate classification.

Dr. Peter K. Rogan Lab, Western University
No classification provided (evidence only). Condition: Colon adenocarcinoma. Review status: no classification provided. Collection method: in vitro. Allele origin: not applicable. Functional consequence: retained intron. Not counted in ClinVar's aggregate classification.

Dr. Peter K. Rogan Lab, Western University
No classification provided (evidence only). Condition: Colon adenocarcinoma. Review status: no classification provided. Collection method: in vitro. Allele origin: not applicable. Functional consequence: retained intron. Not counted in ClinVar's aggregate classification.

Dr. Peter K. Rogan Lab, Western University
No classification provided (evidence only). Condition: Thyroid cancer, nonmedullary, 1. Review status: no classification provided. Collection method: in vitro. Allele origin: not applicable. Functional consequence: retained intron. Not counted in ClinVar's aggregate classification.

Dr. Peter K. Rogan Lab, Western University
No classification provided (evidence only). Condition: Thyroid cancer, nonmedullary, 1. Review status: no classification provided. Collection method: in vitro. Allele origin: not applicable. Functional consequence: retained intron. Not counted in ClinVar's aggregate classification.

Dr. Peter K. Rogan Lab, Western University
No classification provided (evidence only). Condition: Thyroid cancer, nonmedullary, 1. Review status: no classification provided. Collection method: in vitro. Allele origin: not applicable. Functional consequence: retained intron. Not counted in ClinVar's aggregate classification.

Dr. Peter K. Rogan Lab, Western University
No classification provided (evidence only). Condition: Thyroid cancer, nonmedullary, 1. Review status: no classification provided. Collection method: in vitro. Allele origin: not applicable. Functional consequence: retained intron. Not counted in ClinVar's aggregate classification.

Dr. Peter K. Rogan Lab, Western University
No classification provided (evidence only). Condition: Uterine corpus endometrial carcinoma. Review status: no classification provided. Collection method: in vitro. Allele origin: not applicable. Functional consequence: retained intron. Not counted in ClinVar's aggregate classification.

Dr. Peter K. Rogan Lab, Western University
No classification provided (evidence only). Condition: Uterine corpus endometrial carcinoma. Review status: no classification provided. Collection method: in vitro. Allele origin: not applicable. Functional consequence: retained intron. Not counted in ClinVar's aggregate classification.

Dr. Peter K. Rogan Lab, Western University
No classification provided (evidence only). Condition: Uterine corpus endometrial carcinoma. Review status: no classification provided. Collection method: in vitro. Allele origin: not applicable. Functional consequence: retained intron. Not counted in ClinVar's aggregate classification.

Dr. Peter K. Rogan Lab, Western University
No classification provided (evidence only). Condition: Uterine corpus endometrial carcinoma. Review status: no classification provided. Collection method: in vitro. Allele origin: not applicable. Functional consequence: retained intron. Not counted in ClinVar's aggregate classification.

Dr. Peter K. Rogan Lab, Western University
No classification provided (evidence only). Condition: Uterine corpus endometrial carcinoma. Review status: no classification provided. Collection method: in vitro. Allele origin: not applicable. Functional consequence: retained intron. Not counted in ClinVar's aggregate classification.

Dr. Peter K. Rogan Lab, Western University
No classification provided (evidence only). Condition: Uterine corpus endometrial carcinoma. Review status: no classification provided. Collection method: in vitro. Allele origin: not applicable. Functional consequence: retained intron. Not counted in ClinVar's aggregate classification.

Dr. Peter K. Rogan Lab, Western University
No classification provided (evidence only). Condition: Uterine corpus endometrial carcinoma. Review status: no classification provided. Collection method: in vitro. Allele origin: not applicable. Functional consequence: retained intron. Not counted in ClinVar's aggregate classification.

NM_001378328.1(CELSR1):c.8107G>A (p.Val2703Met)

Gene: CELSR1 (cadherin EGF LAG seven-pass G-type receptor 1; minus strand). Cytogenetic location: 22q13.31.
Variant type: single nucleotide variant.
Coding change: c.8107G>A on transcript NM_001378328.1 (MANE Select); coding-DNA position 8107, G replaced by A.
Protein change: p.Val2703Met; replaces valine 2703 with methionine.
Molecular consequence: missense variant.
Genome position (GRCh38, 1-based): chr22:46,367,091, C>T on the plus strand (G>A on the coding strand, the complement: CELSR1 is on the minus strand). VCF-style: chr22-46367091-C-T. GRCh37 (hg19) VCF-style: chr22-46762988-C-T.
Other names: NC_000022.10:g.46762988C>T; c.8107G>A, p.Val2703Met (NM_014246.4); short protein forms V2703M.
Identifiers: ClinVar variation 1287151 (VCV001287151.5), dbSNP rs75983687, ClinGen allele CA10292973.
Genomic context (GRCh38, chr22:46,367,091, plus strand): 5'-GGTGCAGCTTCCTCCCGCCGAGCACGCCCTTCAGGTGCTTCCGGACCTCCTGGTTGAGCA[C>T]GCAGTGGAAAAGGAGGACGAAGGGGCCCTGGAGGGAGGAAGGTGGGGTCAGCACCTGCTG-3'
Protein context (NP_001365257.1, residues 2693-2713): QGPFVLLFHC[Val2703Met]LNQEVRKHLK